The following is an entry in ClinVar:

NM_000334.4(SCN4A):c.4109T>C (p.Met1370Thr)

Genes: GH-LCR (growth hormone locus control region; plus strand), SCN4A (sodium voltage-gated channel alpha subunit 4; minus strand). Cytogenetic location: 17q23.3.
Variant type: single nucleotide variant.
Coding change: c.4109T>C on transcript NM_000334.4 (MANE Select); coding-DNA position 4109, T replaced by C.
Protein change: p.Met1370Thr; replaces methionine 1370 with threonine.
Molecular consequence: missense variant.
Genome position (GRCh38, 1-based): chr17:63,943,005, A>G on the plus strand (T>C on the coding strand, the complement: SCN4A is on the minus strand). VCF-style: chr17-63943005-A-G. GRCh37 (hg19) VCF-style: chr17-62020365-A-G.
Other names: short protein forms M1370T.
Identifiers: ClinVar variation 849414 (VCV000849414.10), dbSNP rs1908593639, ClinGen allele CA400616722.

ClinVar aggregate classification (germline): Likely pathogenic (1 of 4 stars; one submission).

Conditions:
Hyperkalemic periodic paralysis. Also called: Familial hyperkalemic periodic paralysis; Gamstorp disease. Identifiers: Orphanet 682, MedGen C0238357, MONDO:0008224, OMIM 170500, HP:0007215.

Submission:

Labcorp Genetics (formerly Invitae), Labcorp
Classification: Likely pathogenic for Hyperkalemic periodic paralysis. Last evaluated: 2022-09-19. Review status: criteria provided, single submitter. Criteria: Invitae Variant Classification Sherloc (09022015). Collection method: clinical testing. Allele origin: germline.
Comment: In summary, the currently available evidence indicates that the variant is pathogenic, but additional data are needed to prove that conclusively. Therefore, this variant has been classified as Likely Pathogenic. This variant disrupts the p.Met1730 amino acid residue in SCN4A. Other variant(s) that disrupt this residue have been determined to be pathogenic (PMID: 11757950, 32660787). This suggests that this residue is clinically significant, and that variants that disrupt this residue are likely to be disease-causing. Advanced modeling of protein sequence and biophysical properties (such as structural, functional, and spatial information, amino acid conservation, physicochemical variation, residue mobility, and thermodynamic stability) performed at Invitae indicates that this missense variant is expected to disrupt SCN4A protein function. ClinVar contains an entry for this variant (Variation ID: 849414). This missense change has been observed in individual(s) with paramyotonia congenita (Invitae). This variant is not present in population databases (gnomAD no frequency). This sequence change replaces methionine, which is neutral and non-polar, with threonine, which is neutral and polar, at codon 1370 of the SCN4A protein (p.Met1370Thr).

Literature cited by the submitters: PubMed 11757950; PubMed 32660787.